The following is an entry in ClinVar:

NM_000101.4(CYBA):c.68_76del (p.Thr23_Gly25del)

Gene: CYBA (cytochrome b-245 alpha chain; minus strand). Cytogenetic location: 16q24.2.
Variant type: Deletion.
Coding change: c.68_76del on transcript NM_000101.4 (MANE Select); coding-DNA positions 68 to 76, 9 bases deleted (CCGGGGGCA; older notation c.68_76delCCGGGGGCA).
Protein change: p.Thr23_Gly25del.
Molecular consequence: inframe deletion.
Genome position (GRCh38, 1-based): chr16:88,648,097-88,648,105, TGCCCCCGG deleted on the plus strand (CCGGGGGCA on the coding strand, the reverse complement: CYBA is on the minus strand); deleting any 9 consecutive bases within chr16:88,648,097-88,648,107 gives the same sequence; the c. name uses the placement nearest the transcript's 3' end. VCF-style (leftmost placement, unchanged base first): chr16-88648096-ATGCCCCCGG-A. GRCh37 (hg19) VCF-style: chr16-88714504-ATGCCCCCGG-A.
Identifiers: ClinVar variation 1967713 (VCV001967713.5), dbSNP rs2507533402, ClinGen allele CA2580092274.

ClinVar aggregate classification (germline): Pathogenic (1 of 4 stars; one submission).

Conditions:
Granulomatous disease, chronic, autosomal recessive, cytochrome b-negative. Also called: GRANULOMATOUS DISEASE, CHRONIC, AUTOSOMAL RECESSIVE, 4; Chronic granulomatous disease, autosomal, due to deficiency of CYBA; CGD DUE TO DEFICIENCY OF THE ALPHA SUBUNIT OF CYTOCHROME b; CGD, AUTOSOMAL RECESSIVE CYTOCHROME b-NEGATIVE; CYBA DEFICIENCY. Identifiers: Orphanet 379, MedGen C1856255, MONDO:0009308, OMIM 233690.

Submission:

Labcorp Genetics (formerly Invitae), Labcorp
Classification: Pathogenic for Granulomatous disease, chronic, autosomal recessive, cytochrome b-negative. Last evaluated: 2022-06-29. Review status: criteria provided, single submitter. Criteria: Invitae Variant Classification Sherloc (09022015). Collection method: clinical testing. Allele origin: germline.
Comment: For these reasons, this variant has been classified as Pathogenic. This variant disrupts a region of the CYBA protein in which other variant(s) (p.Gly24Arg) have been determined to be pathogenic (PMID: 10759707, 10910929, 19292887, 20167518). This suggests that this is a clinically significant region of the protein, and that variants that disrupt it are likely to be disease-causing. This variant has not been reported in the literature in individuals affected with CYBA-related conditions. This variant is not present in population databases (gnomAD no frequency). This variant, c.68_76del, results in the deletion of 3 amino acid(s) of the CYBA protein (p.Thr23_Gly25del), but otherwise preserves the integrity of the reading frame.

Literature cited by the submitters: PubMed 10759707; PubMed 10910929; PubMed 19292887; PubMed 20167518.